The following is an entry in ClinVar:

ClinVar aggregate classification (germline): Benign/Likely benign. Review status: criteria provided, multiple submitters, no conflicts (2 of 4 stars). 8 submissions from 8 submitters: Benign (1); Likely benign (6). 1 of the submissions does not count toward it. Last evaluated 2026-01-01.

Conditions:
Charcot-Marie-Tooth disease type 4. Also called: Charcot-Marie-Tooth disease, type IV; Charcot-Marie-Tooth, Type 4. Identifiers: Orphanet 64749, MedGen C4082197, MONDO:0018995.
Charcot-Marie-Tooth disease type 4B2. Also called: CHARCOT-MARIE-TOOTH DISEASE, DEMYELINATING, TYPE 4B2; Charcot-Marie-Tooth Neuropathy Type 4B2; CHARCOT-MARIE-TOOTH DISEASE, WITH FOCALLY FOLDED MYELIN SHEATHS, AUTOSOMAL RECESSIVE, TYPE 4B2; CMT 4B2. Identifiers: Orphanet 99956, MedGen C1858278, MONDO:0011475, OMIM 604563.
Inborn genetic diseases. Identifiers: MedGen C0950123, MeSH D030342.
SBF2-related disorder. Also called: SBF2-related condition.

Allele frequency attached by ClinVar (database versions not stated): TOPMed 0.00024; ExAC 0.00051; gnomAD exomes 0.00055; 1000 Genomes Project 30x 0.00094; 1000 Genomes Project 0.00100; gnomAD 0.00017 and 0.00020.
gnomAD v4.1: 311 of 1,614,192 alleles (0.019%); highest among the groups gnomAD compares: East Asian, 0.55%; 3 homozygotes.

Submissions (8):

CeGaT Center for Human Genetics Tuebingen
Classification: Likely benign. Last evaluated: 2026-01-01. Review status: criteria provided, single submitter. Criteria: CeGaT Center For Human Genetics Tuebingen Variant Classification Criteria Version 2. Collection method: clinical testing. Allele origin: germline. Affected: yes. Observed: 2 variant alleles.
Comment: SBF2: BP4, BP7

Labcorp Genetics (formerly Invitae), Labcorp
Classification: Benign for Charcot-Marie-Tooth disease type 4. Last evaluated: 2025-10-23. Review status: criteria provided, single submitter. Criteria: Invitae Variant Classification Sherloc (09022015). Collection method: clinical testing. Allele origin: germline.

Blueprint Genetics
Classification: Likely benign. Last evaluated: 2024-06-13. Review status: criteria provided, single submitter. Criteria: ACMG Guidelines, 2015. Collection method: clinical testing. Allele origin: germline.

Ambry Genetics
Classification: Likely benign for Inborn genetic diseases. Last evaluated: 2019-07-11. Review status: criteria provided, single submitter. Criteria: Ambry Variant Classification Scheme 2023. Collection method: clinical testing. Allele origin: germline.

Genetic Services Laboratory, University of Chicago
Classification: Likely benign. Last evaluated: 2018-09-06. Review status: criteria provided, single submitter. Criteria: ACMG Guidelines, 2015. Collection method: clinical testing. Allele origin: germline. Affected: no.

Illumina Laboratory Services, Illumina
Classification: Likely benign for Charcot-Marie-Tooth disease type 4B2. Last evaluated: 2018-01-13. Review status: criteria provided, single submitter. Criteria: ICSL Variant Classification Criteria 13 December 2019. Collection method: clinical testing. Allele origin: germline.
Comment: This variant was observed in the ICSL laboratory as part of a predisposition screen in an ostensibly healthy population. It had not been previously curated by ICSL or reported in the Human Gene Mutation Database (HGMD: prior to June 1st, 2018), and was therefore a candidate for classification through an automated scoring system. Utilizing variant allele frequency, disease prevalence and penetrance estimates, and inheritance mode, an automated score was calculated to assess if this variant is too frequent to cause the disease. Based on the score and internal cut-off values, a variant classified as likely benign is not then subjected to further curation. The score for this variant resulted in a classification of likely benign for this disease.

GeneDx
Classification: Likely benign. Last evaluated: 2015-12-17. Review status: criteria provided, single submitter. Criteria: GeneDx Variant Classification (06012015). Collection method: clinical testing. Allele origin: germline. Affected: yes.
Comment: This variant is considered likely benign or benign based on one or more of the following criteria: it is a conservative change, it occurs at a poorly conserved position in the protein, it is predicted to be benign by multiple in silico algorithms, and/or has population frequency not consistent with disease.

PreventionGenetics, part of Exact Sciences
Classification: Likely benign for SBF2-related condition. Last evaluated: 2021-03-11. Review status: no assertion criteria provided. Collection method: clinical testing. Allele origin: germline. Not counted in ClinVar's aggregate classification.
Comment: This variant is classified as likely benign based on ACMG/AMP sequence variant interpretation guidelines (Richards et al. 2015 PMID: 25741868, with internal and published modifications).

NM_030962.4(SBF2):c.4128G>A (p.Ala1376=)

Gene: SBF2 (SET binding factor 2; minus strand). Cytogenetic location: 11p15.4.
Variant type: single nucleotide variant.
Coding change: c.4128G>A on transcript NM_030962.4 (MANE Select); coding-DNA position 4128, G replaced by A.
Protein change: p.Ala1376=; no amino-acid change (alanine 1376 retained).
Molecular consequence: synonymous variant.
Genome position (GRCh38, 1-based): chr11:9,812,559, C>T on the plus strand (G>A on the coding strand, the complement: SBF2 is on the minus strand). VCF-style: chr11-9812559-C-T. GRCh37 (hg19) VCF-style: chr11-9834106-C-T.
Other names: c.4224G>A, p.Ala1408= (NM_001386339.1); c.3999G>A, p.Ala1333= (NM_001386342.1).
Identifiers: ClinVar variation 382124 (VCV000382124.42), dbSNP rs191964053, ClinGen allele CA5881057.